The following continues an entry in ClinVar:

NM_001048174.2(MUTYH):c.850-2A>G

Gene: MUTYH. ClinVar aggregate classification (germline): Conflicting classifications of pathogenicity. Uncertain significance (9); Likely benign (8).

Submissions 16 to 35 of 35:

Division of Medical Genetics, University of Washington
Classification: Uncertain significance for Familial adenomatous polyposis 2. Last evaluated: 2019-01-03. Review status: criteria provided, single submitter. Criteria: ACMG Guidelines, 2015. Collection method: clinical testing. Allele origin: germline. Affected: no. Study: CSER_CHARM.
Comment: The c.934-2A>G variant is predicted to lead to either nonsense-mediated mRNA decay or an abnormal protein product by destroying a canonical splice acceptor site. In vitro studies of this variant have demonstrated aberrant splicing and that the variant protein, if translated, is not localized to the nucleus (Tao 2004, Taki 2016). The c.934-2A>G variant was identified in 1.6% of East Asian chromosomes in the Genome Aggregation Database. This variant has been reported in the literature in a heterozygous state in multiple individuals with colorectal cancer; however has never, to our knowledge, been reported in an affected individual that is homozygous or compound heterozygous for a second MUTYH pathogenic variant (Miyaki 2005, Kim 2007, Taki 2016).

Illumina Laboratory Services, Illumina
Classification: Likely benign for Familial adenomatous polyposis 2. Last evaluated: 2017-04-27. Review status: criteria provided, single submitter. Criteria: ICSL Variant Classification Criteria 13 December 2019. Collection method: clinical testing. Allele origin: germline.
Comment: This variant was observed as part of a predisposition screen in an ostensibly healthy population. A literature search was performed for the gene, cDNA change, and amino acid change (where applicable). No publications were found based on this search. Allele frequency data from public databases allowed determination this variant is unlikely to cause disease. Therefore, this variant is classified as likely benign.

ITMI
No classification provided. Condition: AllHighlyPenetrant. Last evaluated: 2013-09-19. Review status: no classification provided. Collection method: reference population. Allele origin: germline. Not counted in ClinVar's aggregate classification.
Comment: Please see associated publication for description of ethnicities

Biesecker Lab/Clinical Genomics Section, National Institutes of Health
Classification: Likely pathogenic for MYH-associated polyposis. Last evaluated: 2012-07-13. Review status: no assertion criteria provided. Collection method: research. Allele origin: germline. Affected: no. Observed: 1 variant allele, 1 heterozygote. Study: ClinSeq. Not counted in ClinVar's aggregate classification.
ClinVar note: Converted during submission from probably pathogenic to Likely pathogenic.

Department of Pathology and Laboratory Medicine, Sinai Health System
Classification: Likely pathogenic for Carcinoma of colon. Review status: no assertion criteria provided. Collection method: clinical testing. Allele origin: unknown. Affected: yes. Study: The Canadian Open Genetics Repository (COGR). Not counted in ClinVar's aggregate classification.
Comment: The MUTYH c.934-2A>G variant was identified in 19 of 2400 proband chromosomes and 1 homozygous proband at a frequency of 0.025 from East Asian (Japanese, Chinese and Korean) individuals with colorectal polyps and/or colorectal, gastric and breast cancers and was present in 21 of 1206 control chromosomes (frequency: 0.014) from healthy individuals (Tao 2004, Lin 2016, Zhang 2017, Miyaki 2005, Jang 2015, Johnston 2012, Taki 2016 and Kim 2007). The variant was also identified in the following databases: dbSNP (ID: rs77542170 as â€šÃ„ÃºWith other alleleâ€šÃ„Ã¹) and ClinVar (1x as pathogenic by Soonchunhyang University Bucheon Hospital; 4x as likely pathogenic by Invitae, GeneDx, Quest Diagnostics, and Biesecker Lab/NIH; and 3x as uncertain significance by Ambry Genetics, Laboratory for Molecular Medicine, and Integrated Genetics/Laboratory Corporation of America). The variant was not identified in the Cosmic, MutDB or UMD-LSDB databases. The variant was identified in control databases in 298 of 277146 chromosomes (5 homozygous) at a frequency of 0.001 (Genome Aggregation Database Feb 27, 2017). The variant was observed in the following populations: East Asian in 293 of 18870 chromosomes (5 homozygous, freq: 0.015), and South Asian in 5 of 30782 chromosomes (freq: 0.0002) and the variant was not observed in the African, Other, Latino, European Non-Finnish, Ashkenazi Jewish or Finnish populations. The c.934-2A>G variant is predicted to cause abnormal splicing because the nucleotide substitution occurs in the invariant region of the splice consensus sequence, and 4 of 4 in silico or computational prediction software programs (SpliceSiteFinder, MaxEntScan, NNSPLICE, GeneSplicer) predict a greater than 10% difference in splicing. Two independent studies have shown the MUTYH c.934-2A>G variant results in an aberrant mRNA transcript which retains intron 10, has a premature stop codon in exon 11, and encodes a truncated protein (Tao 2004 and Taki 2015). Further, in vitro expression studies demonstrate that, if translated, the variant protein is not localized in the nucleus like the wild type protein, suggesting insufficient ability of the variant protein to repair nuclear DNA (Tao 2004). In summary, based on the above information the clinical significance of this variant cannot be determined with certainty at this time although we would lean towards a more pathogenic role for this variant. This variant is classified as likely pathogenic.

Dr. Peter K. Rogan Lab, Western University
No classification provided (evidence only). Condition: Malignant tumor of urinary bladder. Review status: no classification provided. Collection method: in vitro. Allele origin: not applicable. Functional consequence: retained intron. Not counted in ClinVar's aggregate classification.

Dr. Peter K. Rogan Lab, Western University
No classification provided (evidence only). Condition: Melanoma. Review status: no classification provided. Collection method: in vitro. Allele origin: not applicable. Functional consequence: retained intron. Not counted in ClinVar's aggregate classification.

Dr. Peter K. Rogan Lab, Western University
No classification provided (evidence only). Condition: Cervical cancer. Review status: no classification provided. Collection method: in vitro. Allele origin: not applicable. Functional consequence: retained intron. Not counted in ClinVar's aggregate classification.

Dr. Peter K. Rogan Lab, Western University
No classification provided (evidence only). Condition: Cervical cancer. Review status: no classification provided. Collection method: in vitro. Allele origin: not applicable. Functional consequence: skipped exon, retained intron. Not counted in ClinVar's aggregate classification.

Dr. Peter K. Rogan Lab, Western University
No classification provided (evidence only). Condition: Malignant lymphoma, large B-cell, diffuse. Review status: no classification provided. Collection method: in vitro. Allele origin: not applicable. Functional consequence: skipped exon, retained intron. Not counted in ClinVar's aggregate classification.

Dr. Peter K. Rogan Lab, Western University
No classification provided (evidence only). Condition: Hepatocellular carcinoma. Review status: no classification provided. Collection method: in vitro. Allele origin: not applicable. Functional consequence: retained intron. Not counted in ClinVar's aggregate classification.

Dr. Peter K. Rogan Lab, Western University
No classification provided (evidence only). Condition: Hepatocellular carcinoma. Review status: no classification provided. Collection method: in vitro. Allele origin: not applicable. Functional consequence: retained intron. Not counted in ClinVar's aggregate classification.

Dr. Peter K. Rogan Lab, Western University
No classification provided (evidence only). Condition: Hepatocellular carcinoma. Review status: no classification provided. Collection method: in vitro. Allele origin: not applicable. Functional consequence: retained intron. Not counted in ClinVar's aggregate classification.

Dr. Peter K. Rogan Lab, Western University
No classification provided (evidence only). Condition: Hepatocellular carcinoma. Review status: no classification provided. Collection method: in vitro. Allele origin: not applicable. Functional consequence: retained intron. Not counted in ClinVar's aggregate classification.

Dr. Peter K. Rogan Lab, Western University
No classification provided (evidence only). Condition: Hepatocellular carcinoma. Review status: no classification provided. Collection method: in vitro. Allele origin: not applicable. Functional consequence: retained intron. Not counted in ClinVar's aggregate classification.

Dr. Peter K. Rogan Lab, Western University
No classification provided (evidence only). Condition: Cholangiocarcinoma. Review status: no classification provided. Collection method: in vitro. Allele origin: not applicable. Functional consequence: retained intron. Not counted in ClinVar's aggregate classification.

Dr. Peter K. Rogan Lab, Western University
No classification provided (evidence only). Condition: Malignant tumor of esophagus. Review status: no classification provided. Collection method: in vitro. Allele origin: not applicable. Functional consequence: skipped exon, retained intron. Not counted in ClinVar's aggregate classification.

Dr. Peter K. Rogan Lab, Western University
No classification provided (evidence only). Condition: Hepatocellular carcinoma. Review status: no classification provided. Collection method: in vitro. Allele origin: not applicable. Functional consequence: retained intron. Not counted in ClinVar's aggregate classification.

Baylor Genetics
Classification: Likely pathogenic for Gastric cancer. Last evaluated: 2018-11-03. Review status: flagged submission. Criteria: ACMG Guidelines, 2015. Collection method: clinical testing. Allele origin: maternal. Affected: yes. Not counted in ClinVar's aggregate classification.
Comment: This variant was determined to be likely pathogenic according to ACMG Guidelines, 2015 [PMID:25741868]. This variant has previously been reported as disease-causing [PMID 15180946, 22703879, 24733792, 24728327] With updated public general population genomic data and literatures, we now reclassified this variant as likely pathogenic [PMID 26332594, 26684149]
ClinVar note: Reason: Unnecessary conflicting claim for distinct condition when other classifications are more relevant

Soonchunhyang University Bucheon Hospital, Soonchunhyang University Medical Center
Classification: Pathogenic for Familial adenomatous polyposis 2. Last evaluated: 2016-03-18. Review status: flagged submission. Criteria: ACMG Guidelines, 2015. Collection method: reference population. Allele origin: germline. Observed: 2 variant alleles. Not counted in ClinVar's aggregate classification.
ClinVar note: Reason: Outlier claim with insufficient supporting evidence

Literature cited by the submitters: PubMed 24799981 (cited by Quest Diagnostics Nichols Institute San Juan Capistrano); PubMed 26824983 (cited by 4 submitters); PubMed 26902849 (cited by 3 submitters); PubMed 28944238 (cited by Quest Diagnostics Nichols Institute San Juan Capistrano); PubMed 29330641 (cited by Quest Diagnostics Nichols Institute San Juan Capistrano); PubMed 28332257 (cited by Quest Diagnostics Nichols Institute San Juan Capistrano); PubMed 24728327 (cited by 4 submitters); PubMed 17703316 (cited by 4 submitters); PubMed 25856671 (cited by Quest Diagnostics Nichols Institute San Juan Capistrano and Laboratory for Molecular Medicine, Mass General Brigham Personalized Medicine); PubMed 26332594 (cited by 3 submitters); PubMed 26684191 (cited by 6 submitters).